The following is an entry in ClinVar:

ClinVar aggregate classification (germline): Conflicting classifications of pathogenicity. Review status: criteria provided, conflicting classifications (1 of 4 stars). 2 submissions from 2 submitters: Uncertain significance (1); Benign (1). Last evaluated 2025-06-10.

Allele frequency attached by ClinVar (database versions not stated): gnomAD exomes below 0.00001 and 0.00001; gnomAD 0.00001; TOPMed 0.00001.
gnomAD v4.1: 12 of 1,613,608 alleles (0.00074%); highest among the groups gnomAD compares: Non-Finnish European, 0.000085%; no homozygotes.

Submissions (2):

GeneDx
Classification: Uncertain significance. Last evaluated: 2025-06-10. Review status: criteria provided, single submitter. Criteria: GeneDx Variant Classification Process June 2021. Collection method: clinical testing. Allele origin: germline. Affected: yes.
Comment: Not observed at significant frequency in large population cohorts (gnomAD); In silico analysis suggests that this missense variant does not alter protein structure/function; Has not been previously published as pathogenic or benign to our knowledge

Labcorp Genetics (formerly Invitae), Labcorp
Classification: Benign. Last evaluated: 2024-11-03. Review status: criteria provided, single submitter. Criteria: Invitae Variant Classification Sherloc (09022015). Collection method: clinical testing. Allele origin: germline.

NM_001854.4(COL11A1):c.1523C>T (p.Thr508Ile)

Gene: COL11A1 (collagen type XI alpha 1 chain; minus strand). Cytogenetic location: 1p21.1.
Variant type: single nucleotide variant.
Coding change: c.1523C>T on transcript NM_001854.4 (MANE Select); coding-DNA position 1523, C replaced by T.
Protein change: p.Thr508Ile; replaces threonine 508 with isoleucine.
Molecular consequence: missense variant. On other transcripts: non-coding transcript variant (1).
Genome position (GRCh38, 1-based): chr1:103,014,560, G>A on the plus strand (C>T on the coding strand, the complement: COL11A1 is on the minus strand). VCF-style: chr1-103014560-G-A. GRCh37 (hg19) VCF-style: chr1-103480116-G-A.
Other names: c.1406C>T, p.Thr469Ile (NM_001190709.2); c.1559C>T, p.Thr520Ile (NM_080629.3); c.1175C>T, p.Thr392Ile (NM_080630.4); c.1523C>T (NM_001854.3); short protein forms T392I, T520I, T469I, T508I.
Identifiers: ClinVar variation 1361453 (VCV001361453.10), dbSNP rs1432496942, ClinGen allele CA341179122.